The following is an entry in ClinVar:

NM_199355.4(ADAMTS18):c.1807C>G (p.Arg603Gly)

Gene: ADAMTS18 (ADAM metallopeptidase with thrombospondin type 1 motif 18; minus strand). Cytogenetic location: 16q23.1.
Variant type: single nucleotide variant.
Coding change: c.1807C>G on transcript NM_199355.4 (MANE Select); coding-DNA position 1807, C replaced by G.
Protein change: p.Arg603Gly; replaces arginine 603 with glycine.
Molecular consequence: missense variant.
Genome position (GRCh38, 1-based): chr16:77,335,808, G>C on the plus strand (C>G on the coding strand, the complement: ADAMTS18 is on the minus strand). VCF-style: chr16-77335808-G-C. GRCh37 (hg19) VCF-style: chr16-77369705-G-C.
Other names: c.1291C>G, p.Arg431Gly (NM_001326358.2); short protein forms R431G, R603G.
Identifiers: ClinVar variation 1913618 (VCV001913618.5), dbSNP rs760867980, ClinGen allele CA396831983.

ClinVar aggregate classification (germline): Uncertain significance (1 of 4 stars; one submission).

gnomAD v4.1: 17 of 1,614,046 alleles (0.0011%); highest among the groups gnomAD compares: Non-Finnish European, 0.0014%; no homozygotes.

Submission:

Labcorp Genetics (formerly Invitae), Labcorp
Classification: Uncertain significance. Last evaluated: 2022-02-22. Review status: criteria provided, single submitter. Criteria: Invitae Variant Classification Sherloc (09022015). Collection method: clinical testing. Allele origin: germline.
Comment: In summary, the available evidence is currently insufficient to determine the role of this variant in disease. Therefore, it has been classified as a Variant of Uncertain Significance. Algorithms developed to predict the effect of missense changes on protein structure and function are either unavailable or do not agree on the potential impact of this missense change (SIFT: "Not Available"; PolyPhen-2: "Probably Damaging"; Align-GVGD: "Not Available"). This variant has not been reported in the literature in individuals affected with ADAMTS18-related conditions. This variant is not present in population databases (gnomAD no frequency). This sequence change replaces arginine, which is basic and polar, with glycine, which is neutral and non-polar, at codon 603 of the ADAMTS18 protein (p.Arg603Gly).